The following is an entry in ClinVar:

ClinVar aggregate classification (germline): Likely benign. Review status: criteria provided, multiple submitters, no conflicts (2 of 4 stars). 3 submissions from 3 submitters: Likely benign (3). Last evaluated 2025-06-01.

Conditions:
Leukodystrophy, hypomyelinating, 6. Also called: TUBB4A-Associated Leukodystrophy; LEUKODYSTROPHY, HYPOMYELINATING, WITH ATROPHY OF THE BASAL GANGLIA AND CEREBELLUM; Hypomyelination with Atrophy of Basal Ganglia and Cerebellum (H-ABC). Identifiers: Orphanet 139441, MedGen C2676244, MONDO:0012905, OMIM 612438.

Allele frequency attached by ClinVar (database versions not stated): gnomAD exomes below 0.00001; ExAC 0.00001; gnomAD 0.00001; TOPMed 0.00002.

Submissions (3):

CeGaT Center for Human Genetics Tuebingen
Classification: Likely benign. Last evaluated: 2025-06-01. Review status: criteria provided, single submitter. Criteria: CeGaT Center For Human Genetics Tuebingen Variant Classification Criteria Version 2. Collection method: clinical testing. Allele origin: germline. Affected: yes. Observed: 1 variant allele.
Comment: TUBB4A: BP4, BP7

Blueprint Genetics
Classification: Likely benign. Last evaluated: 2023-12-08. Review status: criteria provided, single submitter. Criteria: ACMG Guidelines, 2015. Collection method: clinical testing. Allele origin: germline.

Labcorp Genetics (formerly Invitae), Labcorp
Classification: Likely benign for Leukodystrophy, hypomyelinating, 6. Last evaluated: 2022-12-06. Review status: criteria provided, single submitter. Criteria: Invitae Variant Classification Sherloc (09022015). Collection method: clinical testing. Allele origin: germline.

NM_006087.4(TUBB4A):c.1305C>T (p.Phe435=)

Gene: TUBB4A (tubulin beta 4A class IVa; minus strand). Cytogenetic location: 19p13.3.
Variant type: single nucleotide variant.
Coding change: c.1305C>T on transcript NM_006087.4 (MANE Select); coding-DNA position 1305, C replaced by T.
Protein change: p.Phe435=; no amino-acid change (phenylalanine 435 retained).
Molecular consequence: synonymous variant.
Genome position (GRCh38, 1-based): chr19:6,495,194, G>A on the plus strand (C>T on the coding strand, the complement: TUBB4A is on the minus strand). VCF-style: chr19-6495194-G-A. GRCh37 (hg19) VCF-style: chr19-6495205-G-A.
Other names: c.1458C>T, p.Phe486= (NM_001289123.2); c.1440C>T, p.Phe480= (NM_001289127.2); c.1305C>T, p.Phe435= (NM_001289129.2); c.1089C>T, p.Phe363= (NM_001289130.2, NM_001289131.2).
Identifiers: ClinVar variation 771992 (VCV000771992.19), dbSNP rs768064651, ClinGen allele CA9127241.